The following is an entry in ClinVar:

ClinVar aggregate classification (germline): Uncertain significance (1 of 4 stars; one submission).

Submission:

Dasa
Classification: Uncertain significance. Last evaluated: 2025-07-17. Review status: criteria provided, single submitter. Criteria: DASA Assertion Criteria. Collection method: clinical testing. Allele origin: germline.
Comment: NM_017654.4(SAMD9):c.98_102del (p.Arg33Asnfs*4) introduces a premature termination codon predicted to result in loss of normal protein function. Loss-of-function is an established mechanism of disease for this gene. The variant is present at low frequency in population datasets. Based on the available data, this variant is classified as variant of uncertain significance.

NM_017654.4(SAMD9):c.98_102del (p.Arg33fs)

Gene: SAMD9 (sterile alpha motif domain containing 9; minus strand). Cytogenetic location: 7q21.2.
Variant type: Deletion.
Coding change: c.98_102del on transcript NM_017654.4 (MANE Select); coding-DNA positions 98 to 102, 5 bases deleted (GGGAA; older notation c.98_102delGGGAA).
Protein change: p.Arg33fs; shifts the reading frame from arginine 33.
Molecular consequence: frameshift variant.
Genome position (GRCh38, 1-based): chr7:93,105,996-93,106,000, TTCCC deleted on the plus strand (GGGAA on the coding strand, the reverse complement: SAMD9 is on the minus strand); deleting any 5 consecutive bases within chr7:93,105,996-93,106,001 gives the same sequence; the c. name uses the placement nearest the transcript's 3' end. VCF-style (leftmost placement, unchanged base first): chr7-93105995-TTTCCC-T. GRCh37 (hg19) VCF-style: chr7-92735308-TTTCCC-T.
Other names: c.98_102del, p.Arg33fs (NM_001193307.2); short protein forms R33fs.
Identifiers: ClinVar variation 4851836 (VCV004851836.1).
Genomic context (GRCh38, chr7:93,105,995, plus strand): 5'-CAAGATGTTCTTTTTTTAACCACTTCAAGACTGCTCCATTCACGTCTTGTTCAGTCAAAA[TTTCCC>T]TGTGTTTTTGGTCAATCTTATGACTTTCTAACCACTGATTTACATCCTCTTTTGTCCAAT-3'